The following is an entry in ClinVar:

NM_000548.5(TSC2):c.4549C>T (p.Pro1517Ser)

Gene: TSC2 (TSC complex subunit 2; plus strand). Cytogenetic location: 16p13.3.
Variant type: single nucleotide variant.
Coding change: c.4549C>T on transcript NM_000548.5 (MANE Select); coding-DNA position 4549, C replaced by T.
Protein change: p.Pro1517Ser; replaces proline 1517 with serine.
Molecular consequence: missense variant. On other transcripts: non-coding transcript variant (5).
Genome position (GRCh38, 1-based): chr16:2,085,006, C>T. VCF-style: chr16-2085006-C-T. GRCh37 (hg19) VCF-style: chr16-2135007-C-T.
Other names: c.4348C>T, p.Pro1450Ser (NM_001077183.3); c.4480C>T, p.Pro1494Ser (NM_001114382.3); c.4240C>T, p.Pro1414Ser (NM_001318827.2); c.4204C>T, p.Pro1402Ser (NM_001318829.2); c.3817C>T, p.Pro1273Ser (NM_001318831.2); c.4381C>T, p.Pro1461Ser (NM_001318832.2); c.4351C>T, p.Pro1451Ser (NM_001363528.2); c.4417C>T, p.Pro1473Ser (NM_001370404.1); and 26 more; short protein forms P1003S, P1025S, P1046S, P1297S, P1402S, P1414S, P1450S, P1461S.
Identifiers: ClinVar variation 5031328 (VCV005031328.1).

ClinVar aggregate classification (germline): Uncertain significance (1 of 4 stars; one submission).

Conditions:
Hereditary cancer-predisposing syndrome. Also called: Neoplastic Syndromes, Hereditary; Tumor predisposition; Hereditary neoplastic syndrome; Hereditary Cancer Syndrome. Identifiers: Orphanet 140162, MedGen C0027672, MeSH D009386, MONDO:0015356.

gnomAD v4.1: 2 of 1,613,432 alleles (0.00012%); highest among the groups gnomAD compares: East Asian, 0.0045%; no homozygotes.

Submission:

Ambry Genetics
Classification: Uncertain significance for Hereditary cancer-predisposing syndrome. Last evaluated: 2026-07-06. Review status: criteria provided, single submitter. Criteria: Ambry Variant Classification Scheme 2023. Collection method: clinical testing. Allele origin: germline.
Comment: The p.P1517S variant (also known as c.4549C>T), located in coding exon 34 of the TSC2 gene, results from a C to T substitution at nucleotide position 4549. The proline at codon 1517 is replaced by serine, an amino acid with similar properties. This amino acid position is conserved. In addition, this alteration is predicted to be deleterious by in silico analysis. Based on the available evidence, the clinical significance of this variant remains unclear.